The following is an entry in ClinVar:

NM_014679.5(CEP57):c.448A>G (p.Met150Val)

Gene: CEP57 (centrosomal protein 57; plus strand). Cytogenetic location: 11q21.
Variant type: single nucleotide variant.
Coding change: c.448A>G on transcript NM_014679.5 (MANE Select); coding-DNA position 448, A replaced by G.
Protein change: p.Met150Val; replaces methionine 150 with valine.
Molecular consequence: missense variant.
Genome position (GRCh38, 1-based): chr11:95,813,533, A>G. VCF-style: chr11-95813533-A-G. GRCh37 (hg19) VCF-style: chr11-95546697-A-G.
Other names: c.421A>G, p.Met141Val (NM_001243776.2); c.448A>G, p.Met150Val (NM_001243777.2); c.367A>G, p.Met123Val (NM_001363604.2); short protein forms M150V, M123V, M141V.
Identifiers: ClinVar variation 3490830 (VCV003490830.1).

ClinVar aggregate classification (germline): Uncertain significance (1 of 4 stars; one submission).

Conditions:
Inborn genetic diseases. Identifiers: MedGen C0950123, MeSH D030342.

Submission:

Ambry Genetics
Classification: Uncertain significance for Inborn genetic diseases. Last evaluated: 2024-11-23. Review status: criteria provided, single submitter. Criteria: Ambry Variant Classification Scheme 2023. Collection method: clinical testing. Allele origin: germline.
Comment: The p.M150V variant (also known as c.448A>G), located in coding exon 4 of the CEP57 gene, results from an A to G substitution at nucleotide position 448. The methionine at codon 150 is replaced by valine, an amino acid with highly similar properties. This amino acid position is conserved. In addition, this alteration is predicted to be deleterious by in silico analysis. Based on the available evidence, the clinical significance of this variant remains unclear.